The following is an entry in ClinVar:

ClinVar aggregate classification (germline): Conflicting classifications of pathogenicity. Review status: criteria provided, conflicting classifications (1 of 4 stars). 4 submissions from 4 submitters: Uncertain significance (2); Likely benign (2). Last evaluated 2026-01-28.

Conditions:
Sulfite oxidase deficiency due to molybdenum cofactor deficiency type A. Also called: Molybdenum cofactor deficiency, complementation group A; Molybdenum Cofactor Deficiency A. Identifiers: Orphanet 308386, Orphanet 833, MedGen C1854988, MONDO:0009643, OMIM 252150.

Allele frequency attached by ClinVar (database versions not stated): ExAC 0.00048; gnomAD 0.00125 and 0.00128; TOPMed 0.00128; ESP Exome Variant Server 0.00185; 1000 Genomes Project 0.00200; 1000 Genomes Project 30x 0.00219.
gnomAD v4.1: 398 of 1,613,936 alleles (0.025%); highest among the groups gnomAD compares: African/African-American, 0.46%; 2 homozygotes.

Submissions (4):

Labcorp Genetics (formerly Invitae), Labcorp
Classification: Likely benign for Sulfite oxidase deficiency due to molybdenum cofactor deficiency type A. Last evaluated: 2026-01-28. Review status: criteria provided, single submitter. Criteria: Invitae Variant Classification Sherloc (09022015). Collection method: clinical testing. Allele origin: germline.

Blueprint Genetics
Classification: Uncertain significance. Last evaluated: 2024-10-16. Review status: criteria provided, single submitter. Criteria: ACMG Guidelines, 2015. Collection method: clinical testing. Allele origin: germline.

GeneDx
Classification: Uncertain significance. Last evaluated: 2022-07-14. Review status: criteria provided, single submitter. Criteria: GeneDx Variant Classification Process June 2021. Collection method: clinical testing. Allele origin: germline. Affected: yes.
Comment: In silico analysis supports that this missense variant has a deleterious effect on protein structure/function; Has not been previously published as pathogenic or benign to our knowledge

Illumina Laboratory Services, Illumina
Classification: Likely benign for Sulfite oxidase deficiency due to molybdenum cofactor deficiency type A. Last evaluated: 2018-01-12. Review status: criteria provided, single submitter. Criteria: ICSL Variant Classification Criteria 13 December 2019. Collection method: clinical testing. Allele origin: germline.
Comment: This variant was observed in the ICSL laboratory as part of a predisposition screen in an ostensibly healthy population. It had not been previously curated by ICSL or reported in the Human Gene Mutation Database (HGMD: prior to June 1st, 2018), and was therefore a candidate for classification through an automated scoring system. Utilizing variant allele frequency, disease prevalence and penetrance estimates, and inheritance mode, an automated score was calculated to assess if this variant is too frequent to cause the disease. Based on the score and internal cut-off values, a variant classified as likely benign is not then subjected to further curation. The score for this variant resulted in a classification of likely benign for this disease.

NM_001358530.2(MOCS1):c.455G>A (p.Gly152Asp)

Gene: MOCS1 (molybdenum cofactor synthesis 1; minus strand). Cytogenetic location: 6p21.2.
Variant type: single nucleotide variant.
Coding change: c.455G>A on transcript NM_001358530.2 (MANE Select); coding-DNA position 455, G replaced by A.
Protein change: p.Gly152Asp; replaces glycine 152 with aspartic acid.
Molecular consequence: missense variant. On other transcripts: non-coding transcript variant (1).
Genome position (GRCh38, 1-based): chr6:39,916,196, C>T on the plus strand (G>A on the coding strand, the complement: MOCS1 is on the minus strand). VCF-style: chr6-39916196-C-T. GRCh37 (hg19) VCF-style: chr6-39883940-C-T.
Other names: c.455G>A, p.Gly152Asp (NM_001075098.4, NM_001358529.2, NM_005943.6); c.194G>A, p.Gly65Asp (NM_001358531.2, NM_001358533.2, NM_001358534.2); short protein forms G65D, G152D.
Identifiers: ClinVar variation 976607 (VCV000976607.15), dbSNP rs116035280, ClinGen allele CA3796270.